The following is an entry in ClinVar:

ClinVar aggregate classification (germline): Benign (1 of 4 stars; one submission).

Conditions:
Landau-Kleffner syndrome (FESD). Also called: EPILEPSY, FOCAL, WITH SPEECH DISORDER AND WITH OR WITHOUT MENTAL RETARDATION; APHASIA, ACQUIRED, WITH EPILEPSY. Identifiers: Orphanet 1945, Orphanet 725, Orphanet 98818, MedGen C0282512, MONDO:0009509, OMIM 245570.

Allele frequency attached by ClinVar (database versions not stated): 1000 Genomes Project 30x 0.00281; gnomAD 0.00377 and 0.00380; gnomAD exomes 0.00553; 1000 Genomes Project 0.00260; TOPMed 0.00437.
gnomAD v4.1: 1,017 of 232,454 alleles (0.44%); highest among the groups gnomAD compares: Middle Eastern, 2%; 2 homozygotes.

Submission:

Illumina Laboratory Services, Illumina
Classification: Benign for Landau-Kleffner syndrome. Last evaluated: 2018-01-13. Review status: criteria provided, single submitter. Criteria: ICSL Variant Classification Criteria 13 December 2019. Collection method: clinical testing. Allele origin: germline.
Comment: This variant was observed in the ICSL laboratory as part of a predisposition screen in an ostensibly healthy population. It had not been previously curated by ICSL or reported in the Human Gene Mutation Database (HGMD: prior to June 1st, 2018), and was therefore a candidate for classification through an automated scoring system. Utilizing variant allele frequency, disease prevalence and penetrance estimates, and inheritance mode, an automated score was calculated to assess if this variant is too frequent to cause the disease. Based on the score and internal cut-off values, a variant classified as benign is not then subjected to further curation. The score for this variant resulted in a classification of benign for this disease.

NM_001134407.3(GRIN2A):c.*2210A>T

Gene: GRIN2A (glutamate ionotropic receptor NMDA type subunit 2A; minus strand). Cytogenetic location: 16p13.2.
Variant type: single nucleotide variant.
Coding change: c.*2210A>T on transcript NM_001134407.3 (MANE Select); 2210 bases downstream of the stop codon, A replaced by T.
Molecular consequence: 3 prime UTR variant.
Genome position (GRCh38, 1-based): chr16:9,760,939, T>A on the plus strand (A>T on the coding strand, the complement: GRIN2A is on the minus strand). VCF-style: chr16-9760939-T-A. GRCh37 (hg19) VCF-style: chr16-9854796-T-A.
Other names: c.*2210A>T (NM_000833.5); c.*2416A>T (NM_001134408.2).
Identifiers: ClinVar variation 321571 (VCV000321571.5), dbSNP rs148482120, ClinGen allele CA10648487.